The following is an entry in ClinVar:

NM_206933.4(USH2A):c.9613C>T (p.Arg3205Cys)

Gene: USH2A (usherin; minus strand). Cytogenetic location: 1q41.
Variant type: single nucleotide variant.
Coding change: c.9613C>T on transcript NM_206933.4 (MANE Select); coding-DNA position 9613, C replaced by T.
Protein change: p.Arg3205Cys; replaces arginine 3205 with cysteine.
Molecular consequence: missense variant.
Genome position (GRCh38, 1-based): chr1:215,813,862, G>A on the plus strand (C>T on the coding strand, the complement: USH2A is on the minus strand). VCF-style: chr1-215813862-G-A. GRCh37 (hg19) VCF-style: chr1-215987204-G-A.
Other names: short protein forms R3205C.
Identifiers: ClinVar variation 1513695 (VCV001513695.8), dbSNP rs781059952, ClinGen allele CA1394254.

ClinVar aggregate classification (germline): Uncertain significance. Review status: criteria provided, multiple submitters, no conflicts (2 of 4 stars). 2 submissions from 2 submitters: Uncertain significance (2). Last evaluated 2024-06-25.

Allele frequency attached by ClinVar (database versions not stated): gnomAD 0.00001; TOPMed 0.00001; ExAC 0.00003; gnomAD exomes 0.00004.
gnomAD v4.1: 21 of 1,613,720 alleles (0.0013%); highest among the groups gnomAD compares: Admixed American, 0.005%; no homozygotes.

Submissions (2):

Blueprint Genetics
Classification: Uncertain significance. Last evaluated: 2024-06-25. Review status: criteria provided, single submitter. Criteria: ACMG Guidelines, 2015. Collection method: clinical testing. Allele origin: germline.

Labcorp Genetics (formerly Invitae), Labcorp
Classification: Uncertain significance. Last evaluated: 2024-01-15. Review status: criteria provided, single submitter. Criteria: Invitae Variant Classification Sherloc (09022015). Collection method: clinical testing. Allele origin: germline.
Comment: This sequence change replaces arginine, which is basic and polar, with cysteine, which is neutral and slightly polar, at codon 3205 of the USH2A protein (p.Arg3205Cys). This variant is present in population databases (rs781059952, gnomAD 0.006%). This variant has not been reported in the literature in individuals affected with USH2A-related conditions. ClinVar contains an entry for this variant (Variation ID: 1513695). Advanced modeling of protein sequence and biophysical properties (such as structural, functional, and spatial information, amino acid conservation, physicochemical variation, residue mobility, and thermodynamic stability) performed at Invitae indicates that this missense variant is not expected to disrupt USH2A protein function with a negative predictive value of 95%. In summary, the available evidence is currently insufficient to determine the role of this variant in disease. Therefore, it has been classified as a Variant of Uncertain Significance.